The following is an entry in ClinVar:

NM_003743.5(NCOA1):c.3632G>C (p.Gly1211Ala)

Gene: NCOA1 (nuclear receptor coactivator 1; plus strand). Cytogenetic location: 2p23.3.
Variant type: single nucleotide variant.
Coding change: c.3632G>C on transcript NM_003743.5 (MANE Select); coding-DNA position 3632, G replaced by C.
Protein change: p.Gly1211Ala; replaces glycine 1211 with alanine.
Molecular consequence: missense variant.
Genome position (GRCh38, 1-based): chr2:24,742,112, G>C. VCF-style: chr2-24742112-G-C. GRCh37 (hg19) VCF-style: chr2-24964981-G-C.
Other names: c.3632G>C, p.Gly1211Ala (NM_001362950.1, NM_001362952.1, NM_001362954.1 and 3 more transcripts); short protein forms G1211A.
Identifiers: ClinVar variation 3345482 (VCV003345482.1).

ClinVar aggregate classification (germline): Uncertain significance (0 of 4 stars; one submission).

Conditions:
NCOA1-related disorder. Also called: NCOA1-related condition.

gnomAD v4.1: 19 of 1,614,086 alleles (0.0012%); highest among the groups gnomAD compares: Non-Finnish European, 0.0016%; no homozygotes.

Submission:

PreventionGenetics, part of Exact Sciences
Classification: Uncertain significance for NCOA1-related condition. Last evaluated: 2024-07-11. Review status: no assertion criteria provided. Collection method: clinical testing. Allele origin: germline.
Comment: The NCOA1 c.3632G>C variant is predicted to result in the amino acid substitution p.Gly1211Ala. To our knowledge, this variant has not been reported in the literature. This variant is reported in 0.00088% of alleles in individuals of European (Non-Finnish) descent in gnomAD. At this time, the clinical significance of this variant is uncertain due to the absence of conclusive functional and genetic evidence.